The following is an entry in ClinVar:

NM_004519.4(KCNQ3):c.-85C>T

Gene: KCNQ3 (potassium voltage-gated channel subfamily Q member 3; minus strand). Cytogenetic location: 8q24.22.
Variant type: single nucleotide variant.
Coding change: c.-85C>T on transcript NM_004519.4 (MANE Select); 85 bases upstream of the start codon, C replaced by T.
Molecular consequence: 5 prime UTR variant.
Genome position (GRCh38, 1-based): chr8:132,480,617, G>A on the plus strand (C>T on the coding strand, the complement: KCNQ3 is on the minus strand). VCF-style: chr8-132480617-G-A. GRCh37 (hg19) VCF-style: chr8-133492864-G-A.
Identifiers: ClinVar variation 361886 (VCV000361886.9), dbSNP rs765522706, ClinGen allele CA4881052.
Genomic context (GRCh38, chr8:132,480,617, plus strand): 5'-CGCCTTCTCCGCTGCTGCTCTGGGAAGAAGGGGCGCTCGGGGTGCGTGAACGAGGCGGCG[G>A]CGGCGGCTGCAAGCCCGGGAACTCCAATGCCATGATCCGCGCGCCCCTCCCCACCCCCCC-3'

ClinVar aggregate classification (germline): Benign/Likely benign. Review status: criteria provided, multiple submitters, no conflicts (2 of 4 stars). 3 submissions from 3 submitters: Benign (1); Likely benign (2). Last evaluated 2020-11-06.

Conditions:
Seizures, benign familial neonatal, 2. Also called: CONVULSIONS, BENIGN FAMILIAL NEONATAL, 2; KCNQ3-Related Self-Limited Familial Neonatal Epilepsy (SLFNE); Benign Neonatal Epilepsy 2; KCNQ3-Related Benign Familial Neonatal Epilepsy; Seizures, benign neonatal, 2. Identifiers: Orphanet 1949, MedGen C1852581, MONDO:0007366, OMIM 121201.

Allele frequency attached by ClinVar (database versions not stated): gnomAD 0.00043 and 0.00041; TOPMed 0.00056; 1000 Genomes Project 30x 0.00016; gnomAD exomes 0.00031 and 0.00051; ExAC 0.00058.

Submissions (3):

GeneDx
Classification: Likely benign. Last evaluated: 2020-11-06. Review status: criteria provided, single submitter. Criteria: GeneDx Variant Classification Process June 2021. Collection method: clinical testing. Allele origin: germline. Affected: yes.

Illumina Laboratory Services, Illumina
Classification: Benign for Seizures, benign familial neonatal, 2. Last evaluated: 2018-01-13. Review status: criteria provided, single submitter. Criteria: ICSL Variant Classification Criteria 13 December 2019. Collection method: clinical testing. Allele origin: germline.
Comment: This variant was observed in the ICSL laboratory as part of a predisposition screen in an ostensibly healthy population. It had not been previously curated by ICSL or reported in the Human Gene Mutation Database (HGMD: prior to June 1st, 2018), and was therefore a candidate for classification through an automated scoring system. Utilizing variant allele frequency, disease prevalence and penetrance estimates, and inheritance mode, an automated score was calculated to assess if this variant is too frequent to cause the disease. Based on the score and internal cut-off values, a variant classified as benign is not then subjected to further curation. The score for this variant resulted in a classification of benign for this disease.

Breakthrough Genomics
Classification: Likely benign. Review status: criteria provided, single submitter. Criteria: ACMG Guidelines, 2015. Collection method: not provided. Allele origin: germline. Inheritance: Autosomal dominant inheritance. Affected: yes.